The following is an entry in ClinVar:

ClinVar aggregate classification (germline): Uncertain significance (1 of 4 stars; one submission).

Conditions:
Neuroblastoma, susceptibility to, 3. Also called: ALK-Related Neuroblastic Tumor Susceptibility. Identifiers: Orphanet 635, MedGen C2751681, MONDO:0013083, OMIM 613014.

Submission:

Labcorp Genetics (formerly Invitae), Labcorp
Classification: Uncertain significance for Neuroblastoma, susceptibility to, 3. Last evaluated: 2024-10-12. Review status: criteria provided, single submitter. Criteria: Invitae Variant Classification Sherloc (09022015). Collection method: clinical testing. Allele origin: germline.
Comment: This sequence change replaces glutamine, which is neutral and polar, with arginine, which is basic and polar, at codon 502 of the ALK protein (p.Gln502Arg). This variant is not present in population databases (gnomAD no frequency). This variant has not been reported in the literature in individuals affected with ALK-related conditions. An algorithm developed to predict the effect of missense changes on protein structure and function (PolyPhen-2) suggests that this variant is likely to be tolerated. In summary, the available evidence is currently insufficient to determine the role of this variant in disease. Therefore, it has been classified as a Variant of Uncertain Significance.

NM_004304.5(ALK):c.1505A>G (p.Gln502Arg)

Gene: ALK (ALK receptor tyrosine kinase; minus strand). Cytogenetic location: 2p23.2.
Variant type: single nucleotide variant.
Coding change: c.1505A>G on transcript NM_004304.5 (MANE Select); coding-DNA position 1505, A replaced by G.
Protein change: p.Gln502Arg; replaces glutamine 502 with arginine.
Molecular consequence: missense variant.
Genome position (GRCh38, 1-based): chr2:29,320,792, T>C on the plus strand (A>G on the coding strand, the complement: ALK is on the minus strand). VCF-style: chr2-29320792-T-C. GRCh37 (hg19) VCF-style: chr2-29543658-T-C.
Other names: short protein forms Q502R.
Identifiers: ClinVar variation 3722738 (VCV003722738.2).